The following is an entry in ClinVar:

NM_016729.3(FOLR1):c.200C>T (p.Ser67Phe)

Genes: FOLR1 (folate receptor alpha; plus strand), FOLR1-AS1 (FOLR1 antisense RNA 1; minus strand). Cytogenetic location: 11q13.4.
Variant type: single nucleotide variant.
Coding change: c.200C>T on transcript NM_016729.3 (MANE Select); coding-DNA position 200, C replaced by T.
Protein change: p.Ser67Phe; replaces serine 67 with phenylalanine.
Molecular consequence: missense variant.
Genome position (GRCh38, 1-based): chr11:72,195,302, C>T. VCF-style: chr11-72195302-C-T. GRCh37 (hg19) VCF-style: chr11-71906346-C-T.
Other names: c.200C>T, p.Ser67Phe (NM_000802.3, NM_016724.3, NM_016725.3); short protein forms S67F.
Identifiers: ClinVar variation 3654950 (VCV003654950.2).

ClinVar aggregate classification (germline): Uncertain significance (1 of 4 stars; one submission).

Conditions:
Cerebral folate transport deficiency. Also called: FOLR1-Related Cerebral Folate Transport Deficiency; FOLATE RECEPTOR DEFICIENCY; Cerebral folate deficiency syndrome; Neurodegenerative syndrome due to cerebral folate transport deficiency; NEURODEGENERATION DUE TO CEREBRAL FOLATE TRANSPORT DEFICIENCY. Identifiers: Orphanet 217382, MedGen C2751584, MONDO:0013110, OMIM 613068. Disease mechanism: loss of function.

Submission:

Labcorp Genetics (formerly Invitae), Labcorp
Classification: Uncertain significance for Cerebral folate transport deficiency. Last evaluated: 2024-05-31. Review status: criteria provided, single submitter. Criteria: Invitae Variant Classification Sherloc (09022015). Collection method: clinical testing. Allele origin: germline.
Comment: This sequence change replaces serine, which is neutral and polar, with phenylalanine, which is neutral and non-polar, at codon 67 of the FOLR1 protein (p.Ser67Phe). This variant is not present in population databases (gnomAD no frequency). This variant has not been reported in the literature in individuals affected with FOLR1-related conditions. Advanced modeling of protein sequence and biophysical properties (such as structural, functional, and spatial information, amino acid conservation, physicochemical variation, residue mobility, and thermodynamic stability) performed at Invitae indicates that this missense variant is not expected to disrupt FOLR1 protein function with a negative predictive value of 80%. In summary, the available evidence is currently insufficient to determine the role of this variant in disease. Therefore, it has been classified as a Variant of Uncertain Significance.